The following is an entry in ClinVar:

NM_006922.4(SCN3A):c.5878G>A (p.Gly1960Arg)

Gene: SCN3A (sodium voltage-gated channel alpha subunit 3; minus strand). Cytogenetic location: 2q24.3.
Variant type: single nucleotide variant.
Coding change: c.5878G>A on transcript NM_006922.4 (MANE Select); coding-DNA position 5878, G replaced by A.
Protein change: p.Gly1960Arg; replaces glycine 1960 with arginine.
Molecular consequence: missense variant.
Genome position (GRCh38, 1-based): chr2:165,090,275, C>T on the plus strand (G>A on the coding strand, the complement: SCN3A is on the minus strand). VCF-style: chr2-165090275-C-T. GRCh37 (hg19) VCF-style: chr2-165946785-C-T.
Other names: c.5731G>A, p.Gly1911Arg (NM_001081676.2, NM_001081677.2); short protein forms G1911R, G1960R.
Identifiers: ClinVar variation 2435699 (VCV002435699.5), dbSNP rs751266947, ClinGen allele CA1938342.

ClinVar aggregate classification (germline): Uncertain significance. Review status: criteria provided, multiple submitters, no conflicts (2 of 4 stars). 3 submissions from 3 submitters: Uncertain significance (3). Last evaluated 2025-12-09.

Conditions:
Inborn genetic diseases. Identifiers: MedGen C0950123, MeSH D030342.

Allele frequency attached by ClinVar (database versions not stated): ExAC 0.00001; gnomAD exomes 0.00001.
gnomAD v4.1: 4 of 1,612,638 alleles (0.00025%); highest among the groups gnomAD compares: South Asian, 0.0044%; no homozygotes.

Submissions (3):

Ambry Genetics
Classification: Uncertain significance for Inborn genetic diseases. Last evaluated: 2025-12-09. Review status: criteria provided, single submitter. Criteria: Ambry Variant Classification Scheme 2023. Collection method: clinical testing. Allele origin: germline.

Labcorp Genetics (formerly Invitae), Labcorp
Classification: Uncertain significance. Last evaluated: 2025-02-07. Review status: criteria provided, single submitter. Criteria: Invitae Variant Classification Sherloc (09022015). Collection method: clinical testing. Allele origin: germline.
Comment: This sequence change replaces glycine, which is neutral and non-polar, with arginine, which is basic and polar, at codon 1960 of the SCN3A protein (p.Gly1960Arg). This variant is present in population databases (rs751266947, gnomAD 0.01%). This variant has not been reported in the literature in individuals affected with SCN3A-related conditions. ClinVar contains an entry for this variant (Variation ID: 2435699). Invitae Evidence Modeling of protein sequence and biophysical properties (such as structural, functional, and spatial information, amino acid conservation, physicochemical variation, residue mobility, and thermodynamic stability) indicates that this missense variant is not expected to disrupt SCN3A protein function with a negative predictive value of 95%. In summary, the available evidence is currently insufficient to determine the role of this variant in disease. Therefore, it has been classified as a Variant of Uncertain Significance.

Revvity Omics, Revvity
Classification: Uncertain significance. Last evaluated: 2020-07-08. Review status: criteria provided, single submitter. Criteria: ACMG Guidelines, 2015. Collection method: clinical testing. Allele origin: germline.